The following is an entry in ClinVar:

ClinVar aggregate classification (germline): Uncertain significance (1 of 4 stars; one submission).

Conditions:
Familial cancer of breast. Also called: BREAST CANCER, FAMILIAL; hereditary breast carcinoma; Hereditary breast cancer. Identifiers: Orphanet 227535, MedGen C0346153, MONDO:0016419, OMIM 114480. Disease mechanism: loss of function.

Submission:

Labcorp Genetics (formerly Invitae), Labcorp
Classification: Uncertain significance for Familial cancer of breast. Last evaluated: 2025-04-07. Review status: criteria provided, single submitter. Criteria: Invitae Variant Classification Sherloc (09022015). Collection method: clinical testing. Allele origin: germline.
Comment: This sequence change replaces proline, which is neutral and non-polar, with serine, which is neutral and polar, at codon 358 of the BARD1 protein (p.Pro358Ser). This variant is not present in population databases (gnomAD no frequency). This variant has not been reported in the literature in individuals affected with BARD1-related conditions. ClinVar contains an entry for this variant (Variation ID: 3630702). An algorithm developed to predict the effect of missense changes on protein structure and function outputs the following: PolyPhen-2: "Benign". The serine amino acid residue is found in multiple mammalian species, which suggests that this missense change does not adversely affect protein function. In summary, the available evidence is currently insufficient to determine the role of this variant in disease. Therefore, it has been classified as a Variant of Uncertain Significance.

NM_000465.4(BARD1):c.1072C>T (p.Pro358Ser)

Gene: BARD1 (BRCA1 associated RING domain 1; minus strand). Cytogenetic location: 2q35.
Variant type: single nucleotide variant.
Coding change: c.1072C>T on transcript NM_000465.4 (MANE Select); coding-DNA position 1072, C replaced by T.
Protein change: p.Pro358Ser; replaces proline 358 with serine.
Molecular consequence: missense variant. On other transcripts: non-coding transcript variant (2), intron variant (3).
Genome position (GRCh38, 1-based): chr2:214,780,802, G>A on the plus strand (C>T on the coding strand, the complement: BARD1 is on the minus strand). VCF-style: chr2-214780802-G-A. GRCh37 (hg19) VCF-style: chr2-215645526-G-A.
Other names: c.1015C>T, p.Pro339Ser (NM_001282543.2); c.159-28247C>T (NM_001282548.2); c.215+16259C>T (NM_001282545.2); c.364+11495C>T (NM_001282549.2); short protein forms P358S, P339S.
Identifiers: ClinVar variation 3630702 (VCV003630702.2).